The following is an entry in ClinVar:

ClinVar aggregate classification (germline): Uncertain significance (1 of 4 stars; one submission).

Submission:

GeneDx
Classification: Uncertain significance. Last evaluated: 2022-11-25. Review status: criteria provided, single submitter. Criteria: GeneDx Variant Classification Process June 2021. Collection method: clinical testing. Allele origin: germline. Affected: yes.
Comment: Not observed at significant frequency in large population cohorts (gnomAD); In silico analysis supports that this missense variant has a deleterious effect on protein structure/function; Has not been previously published as pathogenic or benign to our knowledge

NM_182931.3(KMT2E):c.3194C>A (p.Ser1065Tyr)

Gene: KMT2E (lysine methyltransferase 2E (inactive); plus strand). Cytogenetic location: 7q22.3.
Variant type: single nucleotide variant.
Coding change: c.3194C>A on transcript NM_182931.3 (MANE Select); coding-DNA position 3194, C replaced by A.
Protein change: p.Ser1065Tyr; replaces serine 1065 with tyrosine.
Molecular consequence: missense variant.
Genome position (GRCh38, 1-based): chr7:105,107,651, C>A. VCF-style: chr7-105107651-C-A. GRCh37 (hg19) VCF-style: chr7-104748098-C-A.
Other names: c.3194C>A, p.Ser1065Tyr (NM_001410908.1, NM_018682.4); short protein forms S1065Y.
Identifiers: ClinVar variation 2503207 (VCV002503207.1), dbSNP rs2536509926, ClinGen allele CA368788789.
Genomic context (GRCh38, chr7:105,107,651, plus strand): 5'-ACAGGGCTGAGCCCAACAGCCAACTGGACTCGACTCACTCTGGACGGGGCACAATGTATT[C>A]TTCCTGGGTAAAGAGCCCTGACAGAACAGGAGTTAACTTCTCAGTGAACTCCAACTTGAG-3'
Protein context (NP_891847.1, residues 1055-1075): STHSGRGTMY[Ser1065Tyr]SWVKSPDRTG